The following is an entry in ClinVar:

NM_002734.5(PRKAR1A):c.121G>C (p.Ala41Pro)

Gene: PRKAR1A (protein kinase cAMP-dependent type I regulatory subunit alpha; plus strand). Cytogenetic location: 17q24.2.
Variant type: single nucleotide variant.
Coding change: c.121G>C on transcript NM_002734.5 (MANE Select); coding-DNA position 121, G replaced by C.
Protein change: p.Ala41Pro; replaces alanine 41 with proline.
Molecular consequence: missense variant.
Genome position (GRCh38, 1-based): chr17:68,515,520, G>C. VCF-style: chr17-68515520-G-C. GRCh37 (hg19) VCF-style: chr17-66511661-G-C.
Other names: c.121G>C, p.Ala41Pro (NM_212471.3, NM_212472.2, NM_001276289.2 and 4 more transcripts); short protein forms A41P.
Identifiers: ClinVar variation 5027350 (VCV005027350.1).

ClinVar aggregate classification (germline): Uncertain significance (1 of 4 stars; one submission).

Conditions:
Hereditary cancer-predisposing syndrome. Also called: Neoplastic Syndromes, Hereditary; Tumor predisposition; Hereditary neoplastic syndrome; Hereditary Cancer Syndrome. Identifiers: Orphanet 140162, MedGen C0027672, MeSH D009386, MONDO:0015356.

Submission:

Ambry Genetics
Classification: Uncertain significance for Hereditary cancer-predisposing syndrome. Last evaluated: 2026-08-18. Review status: criteria provided, single submitter. Criteria: Ambry Variant Classification Scheme 2023. Collection method: clinical testing. Allele origin: germline.
Comment: The p.A41P variant (also known as c.121G>C), located in coding exon 1 of the PRKAR1A gene, results from a G to C substitution at nucleotide position 121. The alanine at codon 41 is replaced by proline, an amino acid with highly similar properties. This amino acid position is conserved. In addition, the in silico prediction for this alteration is inconclusive. Based on the available evidence, the clinical significance of this variant remains unclear.